The following is an entry in ClinVar:

ClinVar aggregate classification (germline): Benign. Review status: criteria provided, multiple submitters, no conflicts (2 of 4 stars). 2 submissions from 2 submitters: Benign (2). Last evaluated 2018-06-16.

Allele frequency attached by ClinVar (database versions not stated): gnomAD exomes 0.00660 and 0.01756; ExAC 0.02163; gnomAD 0.06940 and 0.07448; ESP Exome Variant Server 0.07479; TOPMed 0.07656; 1000 Genomes Project 0.08087; 1000 Genomes Project 30x 0.08542.
gnomAD v4.1: 20,576 of 1,596,122 alleles (1.3%); highest among the groups gnomAD compares: African/African-American, 24%; 2,303 homozygotes.

Submissions (2):

GeneDx
Classification: Benign. Last evaluated: 2018-06-16. Review status: criteria provided, single submitter. Criteria: GeneDx Variant Classification (06012015). Collection method: clinical testing. Allele origin: germline. Affected: yes.
Comment: This variant is considered likely benign or benign based on one or more of the following criteria: it is a conservative change, it occurs at a poorly conserved position in the protein, it is predicted to be benign by multiple in silico algorithms, and/or has population frequency not consistent with disease.

Breakthrough Genomics
Classification: Benign. Review status: criteria provided, single submitter. Criteria: ACMG Guidelines, 2015. Collection method: not provided. Allele origin: germline. Inheritance: Autosomal recessive inheritance. Affected: yes.

NM_001605.3(AARS1):c.2607+43T>C

Gene: AARS1 (alanyl-tRNA synthetase 1; minus strand). Cytogenetic location: 16q22.1.
Variant type: single nucleotide variant.
Coding change: c.2607+43T>C on transcript NM_001605.3 (MANE Select); 43 bases into the intron after coding-DNA position 2607, T replaced by C.
Molecular consequence: intron variant.
Genome position (GRCh38, 1-based): chr16:70,253,671, A>G on the plus strand (T>C on the coding strand, the complement: AARS1 is on the minus strand). VCF-style: chr16-70253671-A-G. GRCh37 (hg19) VCF-style: chr16-70287574-A-G.
Identifiers: ClinVar variation 675697 (VCV000675697.2), dbSNP rs8045571, ClinGen allele CA8140346.